The following is an entry in ClinVar:

ClinVar aggregate classification (germline): Uncertain significance (1 of 4 stars; one submission).

Conditions:
Inborn genetic diseases. Identifiers: MedGen C0950123, MeSH D030342.

gnomAD v4.1: 4 of 1,553,532 alleles (0.00026%); highest among the groups gnomAD compares: African/African-American, 0.0013%; no homozygotes.

Submission:

Ambry Genetics
Classification: Uncertain significance for Inborn genetic diseases. Last evaluated: 2026-05-14. Review status: criteria provided, single submitter. Criteria: Ambry Variant Classification Scheme 2023. Collection method: clinical testing. Allele origin: germline.
Comment: The c.1595G>A (p.C532Y) alteration is located in exon 14 (coding exon 13) of the SEMA6B gene. This alteration results from a G to A substitution at nucleotide position 1595, causing the cysteine (C) at amino acid position 532 to be replaced by a tyrosine (Y). Based on data from gnomAD, the A allele has an overall frequency of 0.003% (1/31384) total alleles studied. The highest observed frequency was 0.012% (1/8704) of African alleles. Based on insufficient or conflicting evidence, the clinical significance of this alteration remains unclear.

NM_032108.4(SEMA6B):c.1595G>A (p.Cys532Tyr)

Gene: SEMA6B (semaphorin 6B; minus strand). Cytogenetic location: 19p13.3.
Variant type: single nucleotide variant.
Coding change: c.1595G>A on transcript NM_032108.4 (MANE Select); coding-DNA position 1595, G replaced by A.
Protein change: p.Cys532Tyr; replaces cysteine 532 with tyrosine.
Molecular consequence: missense variant.
Genome position (GRCh38, 1-based): chr19:4,548,033, C>T on the plus strand (G>A on the coding strand, the complement: SEMA6B is on the minus strand). VCF-style: chr19-4548033-C-T. GRCh37 (hg19) VCF-style: chr19-4548045-C-T.
Other names: short protein forms C532Y.
Identifiers: ClinVar variation 4864315 (VCV004864315.1).